The following is an entry in ClinVar:

ClinVar aggregate classification (germline): Conflicting classifications of pathogenicity. Review status: criteria provided, conflicting classifications (1 of 4 stars). 9 submissions from 8 submitters: Uncertain significance (3); Likely benign (4). 2 of the submissions do not count toward it. Last evaluated 2026-01-28.

Conditions:
Usher syndrome type 2D. Also called: USHER SYNDROME, TYPE IID. Identifiers: Orphanet 231178, Orphanet 886, MedGen C1568249, MONDO:0012662, OMIM 611383.
Autosomal recessive nonsyndromic hearing loss 31. Also called: WHIRLER, MOUSE, HOMOLOG OF. Identifiers: Orphanet 90636, MedGen C1846839, MONDO:0011767, OMIM 607084.

Allele frequency attached by ClinVar (database versions not stated): 1000 Genomes Project 0.00040; 1000 Genomes Project 30x 0.00047; gnomAD 0.00054 and 0.00055; TOPMed 0.00056; ExAC 0.00073; ESP Exome Variant Server 0.00077.
gnomAD v4.1: 2,008 of 1,612,276 alleles (0.12%); highest among the groups gnomAD compares: Non-Finnish European, 0.16%; 1 homozygote.

Submissions (9):

Labcorp Genetics (formerly Invitae), Labcorp
Classification: Likely benign. Last evaluated: 2026-01-28. Review status: criteria provided, single submitter. Criteria: Invitae Variant Classification Sherloc (09022015). Collection method: clinical testing. Allele origin: germline.

Blueprint Genetics
Classification: Likely benign. Last evaluated: 2024-11-20. Review status: criteria provided, single submitter. Criteria: ACMG Guidelines, 2015. Collection method: clinical testing. Allele origin: germline.

GeneDx
Classification: Likely benign. Last evaluated: 2021-01-06. Review status: criteria provided, single submitter. Criteria: GeneDx Variant Classification Process June 2021. Collection method: clinical testing. Allele origin: germline. Affected: yes.

Illumina Laboratory Services, Illumina
Classification: Uncertain significance for Usher syndrome type 2D. Last evaluated: 2017-08-14. Review status: criteria provided, single submitter. Criteria: ICSL Variant Classification Criteria 13 December 2019. Collection method: clinical testing. Allele origin: germline.
Comment: This variant was observed as part of a predisposition screen in an ostensibly healthy population. A literature search was performed for the gene, cDNA change, and amino acid change (where applicable). Publications were found based on this search. However, the evidence from the literature, in combination with allele frequency data from public databases where available, was not sufficient to rule this variant in or out of causing disease. Therefore, this variant is classified as a variant of unknown significance.

Illumina Laboratory Services, Illumina
Classification: Uncertain significance for Autosomal recessive nonsyndromic hearing loss 31. Last evaluated: 2017-08-14. Review status: criteria provided, single submitter. Criteria: ICSL Variant Classification Criteria 13 December 2019. Collection method: clinical testing. Allele origin: germline.
Comment: the same text as in the submission from Illumina Laboratory Services, Illumina above.

Eurofins Ntd Llc (ga)
Classification: Uncertain significance. Last evaluated: 2016-06-07. Review status: criteria provided, single submitter. Criteria: EGL Classification Definitions 2015. Collection method: clinical testing. Allele origin: germline. Observed: 1 variant allele, 1 heterozygote.

Laboratory for Molecular Medicine, Mass General Brigham Personalized Medicine
Classification: Likely benign. Last evaluated: 2012-04-30. Review status: criteria provided, single submitter. Criteria: LMM Criteria. Collection method: clinical testing. Allele origin: germline. Observed: 1 variant allele.
Comment: Pro485Pro in Exon 07 of DFNB31: This variant is not expected to have clinical significance because it does not alter an amino acid residue, is not located within the splice consensus sequence, and has been identified in 0.1% (7/7020) of European American chromosomes from a broad population by the NHLBI Exome Sequencing Project (dbSNP rs141807746).

Clinical Genetics DNA and cytogenetics Diagnostics Lab, Erasmus MC, Erasmus Medical Center
Classification: Likely benign. Review status: no assertion criteria provided. Collection method: clinical testing. Allele origin: germline. Affected: yes. Study: VKGL Data-share Consensus. Not counted in ClinVar's aggregate classification.

Clinical Genetics, Academic Medical Center
Classification: Likely benign. Review status: no assertion criteria provided. Collection method: clinical testing. Allele origin: germline. Affected: yes. Study: VKGL Data-share Consensus. Not counted in ClinVar's aggregate classification.

Literature cited by the submitters: PubMed 20352026 (cited by Illumina Laboratory Services, Illumina).

NM_015404.4(WHRN):c.1455G>A (p.Pro485=)

Gene: WHRN (whirlin; minus strand). Cytogenetic location: 9q32.
Variant type: single nucleotide variant.
Coding change: c.1455G>A on transcript NM_015404.4 (MANE Select); coding-DNA position 1455, G replaced by A.
Protein change: p.Pro485=; no amino-acid change (proline 485 retained).
Molecular consequence: synonymous variant.
Genome position (GRCh38, 1-based): chr9:114,423,485, C>T on the plus strand (G>A on the coding strand, the complement: WHRN is on the minus strand). VCF-style: chr9-114423485-C-T. GRCh37 (hg19) VCF-style: chr9-117185765-C-T.
Other names: c.306G>A, p.Pro102= (NM_001083885.3); c.1455G>A, p.Pro485= (NM_001173425.2); c.402G>A, p.Pro134= (NM_001346890.1).
Identifiers: ClinVar variation 287879 (VCV000287879.29), dbSNP rs141807746, ClinGen allele CA5205942.
Genomic context (GRCh38, chr9:114,423,485, plus strand): 5'-CGCCTTCATGGACTCAATCTCACGCCTCAGCACCAGGTGGTCGAAGCGTTCTAGGTCTTG[C>T]GGGGAAATGGTGCCTCTCACCTCAGAGAGGAGTGAGAACTGGAGGCGGGGACAAAAGGGG-3'
Protein context (NP_056219.3, residues 475-495): LLSEVRGTIS[Pro485=]QDLERFDHLV